The following is an entry in ClinVar:

NM_000352.6(ABCC8):c.1012-2A>G

Gene: ABCC8 (ATP binding cassette subfamily C member 8; minus strand). Cytogenetic location: 11p15.1.
Variant type: single nucleotide variant.
Coding change: c.1012-2A>G on transcript NM_000352.6 (MANE Select); the canonical splice acceptor site of the intron before coding-DNA position 1012, A replaced by G.
Molecular consequence: splice acceptor variant.
Genome position (GRCh38, 1-based): chr11:17,453,285, T>C on the plus strand (A>G on the coding strand, the complement: ABCC8 is on the minus strand). VCF-style: chr11-17453285-T-C. GRCh37 (hg19) VCF-style: chr11-17474832-T-C.
Other names: c.1009-2A>G (NM_001351297.2, NM_001351296.2); c.1012-2A>G (NM_001351295.2, NM_001287174.3).
Identifiers: ClinVar variation 551479 (VCV000551479.3), dbSNP rs1554938866, ClinGen allele CA379771545.

ClinVar aggregate classification (germline): Uncertain significance. Review status: criteria provided, single submitter (1 of 4 stars). 3 submissions from 2 submitters: Uncertain significance (2). 1 of the submissions does not count toward it.

Conditions:
Transitory neonatal diabetes mellitus. Also called: Transient neonatal diabetes mellitus. Identifiers: MedGen C0342273, MONDO:0020525, HP:0008255.
Maturity-onset diabetes of the young (MODY). Also called: Maturity onset diabetes mellitus in young. Identifiers: Orphanet 552, MedGen C0342276, MONDO:0018911, HP:0004904.
Hyperinsulinemic hypoglycemia, familial, 1 (HHF1). Also called: Persistent hyperinsulinemic hypoglycemia of infancy; HYPERINSULINISM, FAMILIAL, WITH PANCREATIC NESIDIOBLASTOSIS; HYPOGLYCEMIA, HYPERINSULINEMIC, OF INFANCY; NESIDIOBLASTOSIS OF PANCREAS; Persistent Hyperinsulinemia Hypoglycemia of Infancy. Identifiers: Orphanet 276575, Orphanet 276598, MedGen C2931832, MONDO:0009734, OMIM 256450.

Submissions (3):

Clinical Genomics, Uppaluri K&H Personalized Medicine Clinic
Classification: Uncertain significance for Maturity-onset diabetes of the young. Review status: criteria provided, single submitter. Criteria: K & H Uppaluri Personalized Medicine Clinic Variant Classification & Assertion Criteria_Updated V.1. Collection method: research. Allele origin: unknown. Inheritance: Somatic mutation.
Comment: Mutations in ABCC8 gene are associated with both neonatal diabetes mellitus as well as MODY. Patients with this mutation may have a better response to sulfonylureas. However, no sufficient evidence is found to ascertain the role of this particular variant ( rs1554938866) in MODY yet.

Clinical Genomics, Uppaluri K&H Personalized Medicine Clinic
Classification: Uncertain significance for Transitory neonatal diabetes mellitus. Review status: criteria provided, single submitter. Criteria: K & H Uppaluri Personalized Medicine Clinic Variant Classification & Assertion Criteria_Updated V.1. Collection method: research. Allele origin: unknown. Inheritance: Somatic mutation.
Comment: Mutations in ABCC8 gene are associated with both neonatal diabetes mellitus as well as MODY. Patients with this mutation may have a better response to sulfonylureas. However, no sufficient evidence is found to ascertain the role of this particular variant ( rs1554938866) in neonatal diabetes yet.

Counsyl
Classification: Likely pathogenic for Hyperinsulinemic hypoglycemia, familial, 1. Last evaluated: 2017-04-12. Review status: no assertion criteria provided. Collection method: clinical testing. Allele origin: unknown. Not counted in ClinVar's aggregate classification.

Literature cited by the submitters: PubMed 16885549 (cited by Clinical Genomics, Uppaluri K&H Personalized Medicine Clinic); PubMed 21989597 (cited by Clinical Genomics, Uppaluri K&H Personalized Medicine Clinic); PubMed 27538677 (cited by Clinical Genomics, Uppaluri K&H Personalized Medicine Clinic); PubMed 18981553 (cited by Clinical Genomics, Uppaluri K&H Personalized Medicine Clinic); PubMed 32027066 (cited by Clinical Genomics, Uppaluri K&H Personalized Medicine Clinic); PubMed 16613899 (cited by Clinical Genomics, Uppaluri K&H Personalized Medicine Clinic); PubMed 18025408 (cited by Clinical Genomics, Uppaluri K&H Personalized Medicine Clinic); PubMed 32792356 (cited by Clinical Genomics, Uppaluri K&H Personalized Medicine Clinic); PubMed 23345197 (cited by Counsyl).